The following is an entry in ClinVar:

ClinVar aggregate classification (germline): Uncertain significance. Review status: criteria provided, single submitter (1 of 4 stars). 2 submissions from 2 submitters: Uncertain significance (1). 1 of the submissions does not count toward it. Last evaluated 2024-12-16.

Conditions:
BBIP1-related disorder. Also called: BBIP1-related condition.

Allele frequency attached by ClinVar (database versions not stated): gnomAD 0.00001 and 0.00003; TOPMed 0.00001; gnomAD exomes 0.00003 and 0.00008.
gnomAD v4.1: 120 of 1,535,862 alleles (0.0078%); highest among the groups gnomAD compares: East Asian, 0.27%; 1 homozygote.

Submissions (2):

Labcorp Genetics (formerly Invitae), Labcorp
Classification: Uncertain significance. Last evaluated: 2024-12-16. Review status: criteria provided, single submitter. Criteria: Invitae Variant Classification Sherloc (09022015). Collection method: clinical testing. Allele origin: germline.
Comment: This sequence change replaces serine, which is neutral and polar, with proline, which is neutral and non-polar, at codon 60 of the BBIP1 protein (p.Ser60Pro). This variant is present in population databases (no rsID available, gnomAD 0.04%). This variant has not been reported in the literature in individuals affected with BBIP1-related conditions. ClinVar contains an entry for this variant (Variation ID: 838666). An algorithm developed to predict the effect of missense changes on protein structure and function (PolyPhen-2) suggests that this variant is likely to be disruptive. In summary, the available evidence is currently insufficient to determine the role of this variant in disease. Therefore, it has been classified as a Variant of Uncertain Significance.

PreventionGenetics, part of Exact Sciences
Classification: Uncertain significance for BBIP1-related condition. Last evaluated: 2023-12-08. Review status: no assertion criteria provided. Collection method: clinical testing. Allele origin: germline. Not counted in ClinVar's aggregate classification.
Comment: The BBIP1 c.178T>C variant is predicted to result in the amino acid substitution p.Ser60Pro. To our knowledge, this variant has not been reported in the literature. This variant is reported in 0.038% of alleles in individuals of East Asian descent in gnomAD. At this time, the clinical significance of this variant is uncertain due to the absence of conclusive functional and genetic evidence.

NM_001195305.3(BBIP1):c.178T>C (p.Ser60Pro)

Gene: BBIP1 (BBSome interacting protein 1; minus strand). Cytogenetic location: 10q25.2.
Variant type: single nucleotide variant.
Coding change: c.178T>C on transcript NM_001195305.3 (MANE Select); coding-DNA position 178, T replaced by C.
Protein change: p.Ser60Pro; replaces serine 60 with proline.
Molecular consequence: missense variant. On other transcripts: 3 prime UTR variant (1).
Genome position (GRCh38, 1-based): chr10:110,900,461, A>G on the plus strand (T>C on the coding strand, the complement: BBIP1 is on the minus strand). VCF-style: chr10-110900461-A-G. GRCh37 (hg19) VCF-style: chr10-112660219-A-G.
Other names: c.*23T>C (NM_001195304.2); c.178T>C, p.Ser60Pro (NM_001195306.2); c.103T>C, p.Ser35Pro (NM_001195307.2); c.112T>C, p.Ser38Pro (NM_001243783.3); short protein forms S35P, S60P, S38P.
Identifiers: ClinVar variation 838666 (VCV000838666.11), dbSNP rs1304088578, ClinGen allele CA378388926.
Genomic context (GRCh38, chr10:110,900,461, plus strand): 5'-GTTGGCGAATTGTATTCTGTGCTGCTTGATGCATTTTCTCTAGTTTTTCCAGAGTCAGAG[A>G]TTTTAAGGGTAAAAGTTTGGGTTTACACAGCACCATTGTCATTATATCTTCCACAAACAG-3'
Protein context (NP_001182234.1, residues 50-70): LCKPKLLPLK[Ser60Pro]LTLEKLEKMH